The following is an entry in ClinVar:

NM_004304.5(ALK):c.562C>T (p.Arg188Cys)

Gene: ALK (ALK receptor tyrosine kinase; minus strand). Cytogenetic location: 2p23.1.
Variant type: single nucleotide variant.
Coding change: c.562C>T on transcript NM_004304.5 (MANE Select); coding-DNA position 562, C replaced by T.
Protein change: p.Arg188Cys; replaces arginine 188 with cysteine.
Molecular consequence: missense variant.
Genome position (GRCh38, 1-based): chr2:29,920,098, G>A on the plus strand (C>T on the coding strand, the complement: ALK is on the minus strand). VCF-style: chr2-29920098-G-A. GRCh37 (hg19) VCF-style: chr2-30142964-G-A.
Other names: c.562C>T (NM_004304.4); short protein forms R188C.
Identifiers: ClinVar variation 1476595 (VCV001476595.10), dbSNP rs1306212162, ClinGen allele CA346589792.
Genomic context (GRCh38, chr2:29,920,098, plus strand): 5'-TTGCCGCGGACAGCCTTCCCTCTCTGCCCACTTCCGACGCCTTCTTCTCGGGCATCAGGC[G>A]GATCCTCAGTCGCCCTTCGCCTTGGCGAATCCACCAACTGAACAGCTCGCTGAGATTGAA-3'
Protein context (NP_004295.2, residues 178-198): IRQGEGRLRI[Arg188Cys]LMPEKKASEV

ClinVar aggregate classification (germline): Uncertain significance. Review status: criteria provided, multiple submitters, no conflicts (2 of 4 stars). 3 submissions from 3 submitters: Uncertain significance (3). Last evaluated 2025-09-10.

Conditions:
Hereditary cancer-predisposing syndrome. Also called: Hereditary neoplastic syndrome; Tumor predisposition; Neoplastic Syndromes, Hereditary; Hereditary Cancer Syndrome. Identifiers: Orphanet 140162, MedGen C0027672, MeSH D009386, MONDO:0015356.
Neuroblastoma, susceptibility to, 3. Also called: ALK-Related Neuroblastic Tumor Susceptibility. Identifiers: Orphanet 635, MedGen C2751681, MONDO:0013083, OMIM 613014.

Allele frequency attached by ClinVar (database versions not stated): gnomAD exomes below 0.00001; gnomAD 0.00001 and 0.00002; TOPMed 0.00002.
gnomAD v4.1: 4 of 1,614,064 alleles (0.00025%); highest among the groups gnomAD compares: African/African-American, 0.0027%; no homozygotes.

Submissions (3):

Labcorp Genetics (formerly Invitae), Labcorp
Classification: Uncertain significance for Neuroblastoma, susceptibility to, 3. Last evaluated: 2025-09-10. Review status: criteria provided, single submitter. Criteria: Invitae Variant Classification Sherloc (09022015). Collection method: clinical testing. Allele origin: germline.
Comment: This sequence change replaces arginine, which is basic and polar, with cysteine, which is neutral and slightly polar, at codon 188 of the ALK protein (p.Arg188Cys). This variant is not present in population databases (gnomAD no frequency). This variant has not been reported in the literature in individuals affected with ALK-related conditions. ClinVar contains an entry for this variant (Variation ID: 1476595). An algorithm developed to predict the effect of missense changes on protein structure and function (PolyPhen-2) suggests that this variant is likely to be disruptive. In summary, the available evidence is currently insufficient to determine the role of this variant in disease. Therefore, it has been classified as a Variant of Uncertain Significance.

Ambry Genetics
Classification: Uncertain significance for Hereditary cancer-predisposing syndrome. Last evaluated: 2025-06-07. Review status: criteria provided, single submitter. Criteria: Ambry Variant Classification Scheme 2023. Collection method: clinical testing. Allele origin: germline.
Comment: The p.R188C variant (also known as c.562C>T), located in coding exon 1 of the ALK gene, results from a C to T substitution at nucleotide position 562. The arginine at codon 188 is replaced by cysteine, an amino acid with highly dissimilar properties. This amino acid position is conserved. In addition, this alteration is predicted to be deleterious by in silico analysis. Based on the available evidence, the clinical significance of this variant remains unclear.

GeneDx
Classification: Uncertain significance. Last evaluated: 2025-04-28. Review status: criteria provided, single submitter. Criteria: GeneDx Variant Classification Process June 2021. Collection method: clinical testing. Allele origin: germline. Affected: yes.
Comment: Not observed at significant frequency in large population cohorts (gnomAD); In silico analysis indicates that this missense variant does not alter protein structure/function; Has not been previously published as pathogenic or benign to our knowledge